The following is an entry in ClinVar:

NM_001378454.1(ALMS1):c.3059_3062del (p.Ser1020fs)

Gene: ALMS1 (ALMS1 centrosome and basal body associated protein; plus strand). Cytogenetic location: 2p13.1.
Variant type: Deletion.
Coding change: c.3059_3062del on transcript NM_001378454.1 (MANE Select); coding-DNA positions 3059 to 3062, 4 bases deleted (GTTA; older notation c.3059_3062delGTTA).
Protein change: p.Ser1020fs; shifts the reading frame from serine 1020.
Molecular consequence: frameshift variant.
Genome position (GRCh38, 1-based): chr2:73,449,586-73,449,589, GTTA deleted; deleting any 4 consecutive bases within chr2:73,449,584-73,449,589 gives the same sequence; the c. name uses the placement nearest the transcript's 3' end. VCF-style (leftmost placement, unchanged base first): chr2-73449583-ATAGT-A. GRCh37 (hg19) VCF-style: chr2-73676710-ATAGT-A.
Other names: c.3062_3065del, p.Ser1021fs (NM_015120.4); short protein forms S1021fs, S1020fs.
Identifiers: ClinVar variation 1453827 (VCV001453827.6), dbSNP rs2103777482, ClinGen allele CA2573135759.
Genomic context (GRCh38, chr2:73,449,583, plus strand): 5'-CTTCAGGTTCCTTCTCACATAGAGAGAAGCCCAGTATTTTCTATCAACAGGAGTGGCCAG[ATAGT>A]TATGCAACTGAAAAGGCTCTGAAAGTTTCAACTGGCCCTGGACCAGCTGACCAGAAGACT-3'

ClinVar aggregate classification (germline): Pathogenic (1 of 4 stars; one submission).

Conditions:
Alstrom syndrome (ALMS). Identifiers: Orphanet 64, MedGen C0268425, MONDO:0008763, OMIM 203800.

Submission:

Labcorp Genetics (formerly Invitae), Labcorp
Classification: Pathogenic for Alstrom syndrome. Last evaluated: 2023-03-19. Review status: criteria provided, single submitter. Criteria: Invitae Variant Classification Sherloc (09022015). Collection method: clinical testing. Allele origin: germline.
Comment: This sequence change creates a premature translational stop signal (p.Ser1021Metfs*7) in the ALMS1 gene. It is expected to result in an absent or disrupted protein product. Loss-of-function variants in ALMS1 are known to be pathogenic (PMID: 17594715). This variant is not present in population databases (gnomAD no frequency). This variant has not been reported in the literature in individuals affected with ALMS1-related conditions. ClinVar contains an entry for this variant (Variation ID: 1453827). For these reasons, this variant has been classified as Pathogenic.

Literature cited by the submitters: PubMed 17594715.